The following is an entry in ClinVar:

NM_000843.4(GRM6):c.2464G>A (p.Val822Met)

Genes: GRM6 (glutamate metabotropic receptor 6; minus strand), ZNF454 (zinc finger protein 454; plus strand). Cytogenetic location: 5q35.3.
Variant type: single nucleotide variant.
Coding change: c.2464G>A on transcript NM_000843.4 (MANE Select); coding-DNA position 2464, G replaced by A.
Protein change: p.Val822Met; replaces valine 822 with methionine.
Molecular consequence: missense variant.
Genome position (GRCh38, 1-based): chr5:178,981,827, C>T on the plus strand (G>A on the coding strand, the complement: GRM6 is on the minus strand). VCF-style: chr5-178981827-C-T. GRCh37 (hg19) VCF-style: chr5-178408828-C-T.
Other names: short protein forms V822M.
Identifiers: ClinVar variation 1019701 (VCV001019701.7), dbSNP rs751097143, ClinGen allele CA3593530.

ClinVar aggregate classification (germline): Uncertain significance. Review status: criteria provided, multiple submitters, no conflicts (2 of 4 stars). 2 submissions from 2 submitters: Uncertain significance (2). Last evaluated 2023-10-03.

Allele frequency attached by ClinVar (database versions not stated): ExAC 0.00001; gnomAD 0.00001 and 0.00002; TOPMed 0.00001; gnomAD exomes 0.00002 and 0.00003.
gnomAD v4.1: 47 of 1,612,630 alleles (0.0029%); highest among the groups gnomAD compares: Middle Eastern, 0.016%; no homozygotes.

Submissions (2):

Labcorp Genetics (formerly Invitae), Labcorp
Classification: Uncertain significance. Last evaluated: 2023-10-03. Review status: criteria provided, single submitter. Criteria: Invitae Variant Classification Sherloc (09022015). Collection method: clinical testing. Allele origin: germline.
Comment: This sequence change replaces valine, which is neutral and non-polar, with methionine, which is neutral and non-polar, at codon 822 of the GRM6 protein (p.Val822Met). This variant is present in population databases (rs751097143, gnomAD 0.003%). This variant has not been reported in the literature in individuals affected with GRM6-related conditions. ClinVar contains an entry for this variant (Variation ID: 1019701). Advanced modeling of protein sequence and biophysical properties (such as structural, functional, and spatial information, amino acid conservation, physicochemical variation, residue mobility, and thermodynamic stability) performed at Invitae indicates that this missense variant is not expected to disrupt GRM6 protein function. In summary, the available evidence is currently insufficient to determine the role of this variant in disease. Therefore, it has been classified as a Variant of Uncertain Significance.

Blueprint Genetics
Classification: Uncertain significance. Last evaluated: 2019-10-28. Review status: criteria provided, single submitter. Criteria: ACMG Guidelines, 2015. Collection method: clinical testing. Allele origin: germline.